The following is an entry in ClinVar:

ClinVar aggregate classification (germline): Likely benign. Review status: criteria provided, multiple submitters, no conflicts (2 of 4 stars). 4 submissions from 4 submitters: Likely benign (3). 1 of the submissions does not count toward it. Last evaluated 2026-03-01.

Conditions:
Inborn genetic diseases. Identifiers: MedGen C0950123, MeSH D030342.
Intellectual disability. Also called: Intellectual developmental disorder; intellectual disabilities; Intellectual functioning disability. Identifiers: MedGen C3714756, MeSH D008607, MONDO:0001071, HP:0001249.

Submissions (4):

CeGaT Center for Human Genetics Tuebingen
Classification: Likely benign. Last evaluated: 2026-03-01. Review status: criteria provided, single submitter. Criteria: CeGaT Center For Human Genetics Tuebingen Variant Classification Criteria Version 2. Collection method: clinical testing. Allele origin: germline. Affected: yes. Observed: 4 variant alleles.
Comment: FBXO11: BS1

Labcorp Genetics (formerly Invitae), Labcorp
Classification: Likely benign. Last evaluated: 2026-01-05. Review status: criteria provided, single submitter. Criteria: Invitae Variant Classification Sherloc (09022015). Collection method: clinical testing. Allele origin: germline.

Ambry Genetics
Classification: Likely benign for Inborn genetic diseases. Last evaluated: 2021-09-16. Review status: criteria provided, single submitter. Criteria: Ambry Variant Classification Scheme 2023. Collection method: clinical testing. Allele origin: germline.

Centre de Biologie Pathologie Génétique, Centre Hospitalier Universitaire de Lille
Classification: Likely benign for Intellectual disability. Last evaluated: 2019-01-01. Review status: no assertion criteria provided. Collection method: clinical testing. Allele origin: inherited. Affected: yes. Not counted in ClinVar's aggregate classification.

NM_001190274.2(FBXO11):c.96_107del (p.Pro33_Pro36del)

Genes: FBXO11 (F-box protein 11; minus strand), LOC100506235 (uncharacterized LOC100506235; plus strand). Cytogenetic location: 2p16.3.
Variant type: Deletion.
Coding change: c.96_107del on transcript NM_001190274.2 (MANE Select); coding-DNA positions 96 to 107, 12 bases deleted (GCCGCAGCCGCC).
Protein change: p.Pro33_Pro36del.
Molecular consequence: inframe deletion.
Genome position (GRCh38, 1-based): chr2:47,905,614-47,905,625, GGCGGCTGCGGC deleted on the plus strand (GCCGCAGCCGCC on the coding strand, the reverse complement: FBXO11 is on the minus strand); deleting any 12 consecutive bases within chr2:47,905,614-47,905,634 gives the same sequence; the c. name uses the placement nearest the transcript's 3' end. VCF-style (leftmost placement, unchanged base first): chr2-47905613-GGGCGGCTGCGGC-G. GRCh37 (hg19) VCF-style: chr2-48132752-GGGCGGCTGCGGC-G.
Other names: c.96_107del12 (NM_001190274.1).
Identifiers: ClinVar variation 975696 (VCV000975696.34), dbSNP rs770886918, ClinGen allele CA1650250.